The following is an entry in ClinVar:

ClinVar aggregate classification (germline): Likely pathogenic (1 of 4 stars; one submission).

Conditions:
Central hypoventilation syndrome, congenital, 2, and autonomic dysfunction. Identifiers: MedGen C5561963, MONDO:0030537, OMIM 619482.

Submission:

First Genomix Gene Laboratory, Genetic Diagnostics Department
Classification: Likely pathogenic for Central hypoventilation syndrome, congenital, 2, and autonomic dysfunction. Last evaluated: 2025-08-01. Review status: criteria provided, single submitter. Criteria: ACMG Guidelines, 2015. Collection method: clinical testing. Allele origin: germline. Inheritance: Autosomal recessive inheritance. Affected: no. Observed: 1 variant allele.

NM_001101421.4(MYO1H):c.456del (p.Asp153fs)

Gene: MYO1H (myosin IH; plus strand). Cytogenetic location: 12q24.11.
Variant type: Deletion.
Coding change: c.456del on transcript NM_001101421.4 (MANE Select); coding-DNA position 456, one base deleted (T; older notation c.456delT).
Protein change: p.Asp153fs; shifts the reading frame from aspartic acid 153.
Molecular consequence: frameshift variant.
Genome position (GRCh38, 1-based): chr12:109,396,549, T deleted. VCF-style (leftmost placement, unchanged base first): chr12-109396548-GT-G. GRCh37 (hg19) VCF-style: chr12-109834353-GT-G.
Other names: short protein forms D153fs.
Identifiers: ClinVar variation 4850575 (VCV004850575.1).
Genomic context (GRCh38, chr12:109,396,548, plus strand): 5'-AGAAAATTCTCGAGTATTTTGCAGTGACCTGCCCAATGACCCAGTCACTACAAATAGCCC[GT>G]GACAGACTGCTGTTCTCCAACCCAGTGCTGGAGGTAAGCGATCTCTGGGGACCAATCGAA-3'